The following is an entry in ClinVar:

NM_000059.4(BRCA2):c.9253del (p.Thr3085fs)

Gene: BRCA2 (BRCA2 DNA repair associated; plus strand). Cytogenetic location: 13q13.1.
Variant type: Deletion.
Coding change: c.9253del on transcript NM_000059.4 (MANE Select); coding-DNA position 9253, one base deleted (A; older notation c.9253delA).
Protein change: p.Thr3085fs; shifts the reading frame from threonine 3085.
Molecular consequence: frameshift variant.
Genome position (GRCh38, 1-based): chr13:32,380,142, A deleted; the last of 7 consecutive A bases (chr13:32,380,136-32,380,142); deleting any one gives the same sequence. VCF-style (leftmost placement, unchanged base first): chr13-32380135-GA-G. GRCh37 (hg19) VCF-style: chr13-32954272-GA-G.
Other names: 9481delA; c.9253delA (NM_000059.3).
Identifiers: ClinVar variation 52785 (VCV000052785.39), dbSNP rs80359752, ClinGen allele CA026054.

ClinVar aggregate classification (germline): Pathogenic. Review status: reviewed by expert panel (3 of 4 stars). 15 submissions from 15 submitters: Pathogenic (1). 14 of the submissions do not count toward it. Last evaluated 2016-10-18.

Conditions:
BRCA2-related disorder. Also called: BRCA2-related condition; BRCA2-related disorders. Identifiers: MedGen CN239275.
Hereditary cancer-predisposing syndrome. Also called: Tumor predisposition; Neoplastic Syndromes, Hereditary; Hereditary neoplastic syndrome; Hereditary Cancer Syndrome. Identifiers: Orphanet 140162, MedGen C0027672, MeSH D009386, MONDO:0015356.
Hereditary breast ovarian cancer syndrome. Also called: Hereditary breast and ovarian cancer; BRCA1- and BRCA2-Associated Hereditary Breast and Ovarian Cancer; Hereditary breast and/or ovarian cancer syndrome; Hereditary breast and ovarian cancer syndrome; Breast and ovarian cancer; Hereditary breast and ovarian cancer syndrome (HBOC). Identifiers: Orphanet 145, MedGen C0677776, MeSH D061325, MONDO:0003582. Disease mechanism: loss of function.
Breast-ovarian cancer, familial, susceptibility to, 2 (BROVCA2). Also called: BRCA2 Hereditary Breast and Ovarian Cancer. Identifiers: Orphanet 145, MedGen C2675520, MONDO:0012933, OMIM 612555. Disease mechanism: loss of function.

Submissions 1 to 10 of 15:

Evidence-based Network for the Interpretation of Germline Mutant Alleles (ENIGMA)
Classification: Pathogenic for Breast-ovarian cancer, familial, susceptibility to, 2. Last evaluated: 2016-10-18. Review status: reviewed by expert panel. Criteria: ENIGMA BRCA1/2 Classification Criteria (2015). Collection method: curation. Allele origin: germline.
Comment: Variant allele predicted to encode a truncated non-functional protein.

Labcorp Genetics (formerly Invitae), Labcorp
Classification: Pathogenic for Hereditary breast ovarian cancer syndrome. Last evaluated: 2025-09-24. Review status: criteria provided, single submitter. Criteria: Invitae Variant Classification Sherloc (09022015). Collection method: clinical testing. Allele origin: germline. Not counted in ClinVar's aggregate classification.
Comment: This sequence change creates a premature translational stop signal (p.Thr3085Glnfs*19) in the BRCA2 gene. It is expected to result in an absent or disrupted protein product. Loss-of-function variants in BRCA2 are known to be pathogenic (PMID: 20104584). This variant is not present in population databases (gnomAD no frequency). This premature translational stop signal has been observed in individual(s) with breast cancer (PMID: 22382806, 23593081, 25863477). This variant is also known as 9481delA. ClinVar contains an entry for this variant (Variation ID: 52785). For these reasons, this variant has been classified as Pathogenic.

Ambry Genetics
Classification: Pathogenic for Hereditary cancer-predisposing syndrome. Last evaluated: 2025-08-18. Review status: criteria provided, single submitter. Criteria: Ambry Variant Classification Scheme 2023. Collection method: clinical testing. Allele origin: germline. Not counted in ClinVar's aggregate classification.
Comment: The c.9253delA pathogenic mutation, located in coding exon 23 of the BRCA2 gene, results from a deletion of one nucleotide at nucleotide position 9253, causing a translational frameshift with a predicted alternate stop codon (p.T3085Qfs*19). This mutation has been reported in several Korean breast cancer patients (Son BH et al. Breast Cancer Res. Treat. 2012 Jun;133:1143-52; Kim H et al. Breast Cancer Res. Treat. 2012 Aug;134:1315-26; Kang E et al. Breast Cancer Res. Treat. 2015 May;151:157-68; Park B et al. Breast Cancer Res. Treat. 2017 May;163(1):139-150). Of note, this alteration is also designated as 9481delA in published literature. In addition to the clinical data presented in the literature, this alteration is expected to result in loss of function by premature protein truncation or nonsense-mediated mRNA decay. As such, this alteration is interpreted as a disease-causing mutation.

GeneKor MSA
Classification: Pathogenic for Hereditary breast ovarian cancer syndrome. Last evaluated: 2025-06-25. Review status: criteria provided, single submitter. Criteria: ACMG Guidelines, 2015. Collection method: clinical testing. Allele origin: germline. Not counted in ClinVar's aggregate classification.
Comment: This sequence change deletes one nucleotide from exon 24 of BRCA2 mRNA c.(9253delA), causing a frameshift at codon 3085 and the creation of a premature translation stop signal 19 amino acid residues later-p.(Thr3085Glnfs*19). This is expected to result in an absent or disrupted protein product. Truncating variants in BRCA2 are known to be pathogenic (PMID:20104584). This variant is present in population databases (rs80359752) and it has been reported in individuals affected with breast cancer (PMID:22382806, 25863477, 23593081). The mutation database Clinvar contains entries for this variant where it is listed as pathogenic (VCV000052785.35). Based on the classification criteria set by the ACMG and AMP (PMID:25741868) this variant has been classified as pathogenic.

Color Diagnostics, LLC DBA Color Health
Classification: Pathogenic for Hereditary cancer-predisposing syndrome. Last evaluated: 2025-03-04. Review status: criteria provided, single submitter. Criteria: ACMG Guidelines, 2015. Collection method: clinical testing. Allele origin: germline. Not counted in ClinVar's aggregate classification.
Comment: This variant deletes 1 nucleotide in exon 24 of the BRCA2 gene, creating a frameshift and premature translation stop signal. This variant is also known as 9481delA according to the BIC nomenclature. This variant is expected to result in an absent or non-functional protein product. This variant has been reported in at least 6 individuals affected with breast cancer (PMID: 22382806, 23593081, 25863477, 28205045, 36980780, 37239058). This variant also has been detected in a breast cancer case-control meta-analysis in 4/60466 cases and 1/53461 unaffected individuals (PMID: 33471991; Leiden Open Variation Database DB-ID BRCA2_000919). A multifactorial analysis has reported a likelihood ratio for pathogenicity based on personal and family history of 4.092 from log(LR)=0.611947417 for two carriers (PMID: 31853058). This variant has not been identified in the general population by the Genome Aggregation Database (gnomAD). Loss of BRCA2 function is a known mechanism of disease. Based on the available evidence, this variant is classified as Pathogenic.

Molecular Diagnostics Laboratory, Catalan Institute of Oncology
Classification: Pathogenic for Hereditary cancer-predisposing syndrome. Last evaluated: 2025-02-11. Review status: criteria provided, single submitter. Criteria: ClinGen BRCA1BRCA2 ACMG Specifications BRCA2 V1.0.0. Collection method: clinical testing. Allele origin: germline. Not counted in ClinVar's aggregate classification.
Comment: PVS1, PM5_Strong c.9253del, located in exon 24 of the BRCA2 gene, consists in the deletion of 1 nucleotide, causing a translational frameshift with a predicted alternate stop codon, p.(Thr3085Glnfs*19). This alteration is expected to result in loss of function by premature protein truncation and nonsense-mediated mRNA decay (PVS1, PM5_PTC_Strong). No effect is predicted on splicing by SpliceAI. It is not present in the population database gnomAD v2.1.1, non cancer dataset. To our knowledge, neither relevant clinical data nor well-stablished functional studies have been reported for this variant. In addition, the variant was also identified in the following databases: BRCA Exchange (Pathogenic: Variant allele predicted to encode a truncated non-functional protein), ClinVar (11x pathogenic) and LOVD (3x uncertain significance, 6x pathogenoic). Based on the currently available information, c.9253del is classified as a pathogenic variant according to ClinGen-BRCA2 Guidelines version v1.0.0.

Blueprint Genetics
Classification: Pathogenic for BRCA2-related disorders. Last evaluated: 2024-08-30. Review status: criteria provided, single submitter. Criteria: ACMG Guidelines, 2015. Collection method: clinical testing. Allele origin: germline. Affected: yes. Observed: 2 variant alleles. Not counted in ClinVar's aggregate classification.

Quest Diagnostics Nichols Institute San Juan Capistrano
Classification: Pathogenic. Last evaluated: 2023-08-25. Review status: criteria provided, single submitter. Criteria: Quest Diagnostics criteria. Collection method: clinical testing. Allele origin: unknown. Not counted in ClinVar's aggregate classification.
Comment: The BRCA2 c.9253del (p.Thr3085Glnfs*19) variant has been reported in the published literature in individuals and families affected with breast cancer (PMIDs: 23593081 (2013), 25863477 (2015), 28205045 (2017), 37239058 (2023)) and prostate cancer (PMID: 37118955 (2023)). The frequency of this variant in the general population, 0.0000066 (1/151972 chromosomes (Genome Aggregation Database)), is consistent with pathogenicity. Based on the available information, this variant is classified as pathogenic.

Baylor Genetics
Classification: Pathogenic for Breast-ovarian cancer, familial, susceptibility to, 2. Last evaluated: 2023-05-30. Review status: criteria provided, single submitter. Criteria: ACMG Guidelines, 2015. Collection method: clinical testing. Allele origin: unknown. Not counted in ClinVar's aggregate classification.

GeneDx
Classification: Pathogenic. Last evaluated: 2022-04-20. Review status: criteria provided, single submitter. Criteria: GeneDx Variant Classification Process June 2021. Collection method: clinical testing. Allele origin: germline. Affected: yes. Not counted in ClinVar's aggregate classification.
Comment: Frameshift variant predicted to result in protein truncation or nonsense mediated decay in a gene for which loss-of-function is a known mechanism of disease; Identified in multiple individuals with a personal or family history of breast cancer (Malone 2006, Kim 2012, Son 2012, Ou 2013, Kang 2015, Kim 2016, Park 2017); Not observed at significant frequency in large population cohorts (gnomAD); Truncating variants in this gene are considered pathogenic by a well-established clinical consortium and/or database; Also known as 9481delA; This variant is associated with the following publications: (PMID: 22382806, 23593081, 26187060, 25863477, 22798144, 26848529, 16912212, 28205045, 28111427, 30787465, 30014164, 30702160, 33558524, 31825140)